The following is an entry in ClinVar:

ClinVar aggregate classification (germline): Uncertain significance. Review status: criteria provided, multiple submitters, no conflicts (2 of 4 stars). 4 submissions from 4 submitters: Uncertain significance (4). Last evaluated 2025-11-25.

Conditions:
Inborn genetic diseases. Identifiers: MedGen C0950123, MeSH D030342.
Schaaf-Yang syndrome (SHFYNG). Also called: Arthrogryposis, distal, with hypopituitarism, intellectual disability, and facial anomalies; MAGEL2-related Prader-Willi-like syndrome. Identifiers: Orphanet 398069, MedGen C5575066, MONDO:0014243, OMIM 615547.
MAGEL2-related disorder. Also called: MAGEL2-related condition.

Allele frequency attached by ClinVar (database versions not stated): gnomAD 0.00001; TOPMed 0.00001.

Submissions (4):

PreventionGenetics, part of Exact Sciences
Classification: Uncertain significance for MAGEL2-related condition. Last evaluated: 2025-11-25. Review status: criteria provided, single submitter. Criteria: ACMG Guidelines, 2015. Collection method: clinical testing. Allele origin: germline.
Comment: The MAGEL2 c.1249C>T variant is predicted to result in the amino acid substitution p.Arg417Cys. To our knowledge, this variant has not been reported in the literature. This variant is reported in 0.021% of alleles in individuals of East Asian descent in gnomAD. At this time, the clinical significance of this variant is uncertain due to the absence of conclusive functional and genetic evidence.

Labcorp Genetics (formerly Invitae), Labcorp
Classification: Uncertain significance. Last evaluated: 2025-09-19. Review status: criteria provided, single submitter. Criteria: Invitae Variant Classification Sherloc (09022015). Collection method: clinical testing. Allele origin: germline.
Comment: This sequence change replaces arginine, which is basic and polar, with cysteine, which is neutral and slightly polar, at codon 417 of the MAGEL2 protein (p.Arg417Cys). The frequency data for this variant in the population databases is considered unreliable, as metrics indicate poor data quality at this position in the gnomAD database. This variant has not been reported in the literature in individuals affected with MAGEL2-related conditions. ClinVar contains an entry for this variant (Variation ID: 2228647). Experimental studies and prediction algorithms are not available or were not evaluated, and the functional significance of this variant is currently unknown. In summary, the available evidence is currently insufficient to determine the role of this variant in disease. Therefore, it has been classified as a Variant of Uncertain Significance.

Revvity Omics, Revvity
Classification: Uncertain significance for Schaaf-Yang syndrome. Last evaluated: 2023-10-10. Review status: criteria provided, single submitter. Criteria: ACMG Guidelines, 2015. Collection method: clinical testing. Allele origin: germline.

Ambry Genetics
Classification: Uncertain significance for Inborn genetic diseases. Last evaluated: 2022-07-12. Review status: criteria provided, single submitter. Criteria: Ambry Variant Classification Scheme 2023. Collection method: clinical testing. Allele origin: germline.

NM_019066.5(MAGEL2):c.1249C>T (p.Arg417Cys)

Gene: MAGEL2 (MAGE family member L2; minus strand). Cytogenetic location: 15q11.2.
Variant type: single nucleotide variant.
Coding change: c.1249C>T on transcript NM_019066.5 (MANE Select); coding-DNA position 1249, C replaced by T.
Protein change: p.Arg417Cys; replaces arginine 417 with cysteine.
Molecular consequence: missense variant.
Genome position (GRCh38, 1-based): chr15:23,646,494, G>A on the plus strand (C>T on the coding strand, the complement: MAGEL2 is on the minus strand). VCF-style: chr15-23646494-G-A. GRCh37 (hg19) VCF-style: chr15-23891641-G-A.
Other names: short protein forms R417C.
Identifiers: ClinVar variation 2228647 (VCV002228647.8), dbSNP rs1018579547, ClinGen allele CA267660578.
Genomic context (GRCh38, chr15:23,646,494, plus strand): 5'-TCAGCGGTGGGGCCTGTCGCACCGGTGGTGGGCCAGGGCGGATGGGTGGTGGGCCAGGGC[G>A]GATGGGCGGGGGCCCCTGGCGCATGGGCGGCGGCACCTGCCAGGTAACGGCTGGTGCCTG-3'
Protein context (NP_061939.3, residues 407-427): PPMRQGPPPI[Arg417Cys]PGPPPIRPGP